The following is an entry in ClinVar:

NM_001048174.2(MUTYH):c.1351G>C (p.Glu451Gln)

Gene: MUTYH (mutY DNA glycosylase; minus strand). Cytogenetic location: 1p34.1.
Variant type: single nucleotide variant.
Coding change: c.1351G>C on transcript NM_001048174.2 (MANE Select); coding-DNA position 1351, G replaced by C.
Protein change: p.Glu451Gln; replaces glutamic acid 451 with glutamine.
Molecular consequence: missense variant. On other transcripts: non-coding transcript variant (7).
Genome position (GRCh38, 1-based): chr1:45,331,223, C>G on the plus strand (G>C on the coding strand, the complement: MUTYH is on the minus strand). VCF-style: chr1-45331223-C-G. GRCh37 (hg19) VCF-style: chr1-45796895-C-G.
Other names: c.1351G>C, p.Glu451Gln (NM_001048171.2, NM_001048173.2, NM_001293195.2 and 6 more transcripts); c.1354G>C, p.Glu452Gln (NM_001048172.2, NM_001407086.1, NM_001407071.1 and 1 more transcripts); c.1435G>C, p.Glu479Gln (NM_001128425.2); c.1396G>C, p.Glu466Gln (NM_001293190.2); c.1384G>C, p.Glu462Gln (NM_001293191.2, NM_001407069.1, NM_001407077.1); c.1075G>C, p.Glu359Gln (NM_001293192.2, NM_001293196.2, NM_001407091.1); c.1312G>C, p.Glu438Gln (NM_001407079.1); c.1309G>C, p.Glu437Gln (NM_001407080.1); and 5 more; short protein forms E437Q, E438Q, E462Q, E451Q, E465Q, E479Q, E423Q, E458Q.
Identifiers: ClinVar variation 4113242 (VCV004113242.1).

ClinVar aggregate classification (germline): Uncertain significance (1 of 4 stars; one submission).

Conditions:
Hereditary cancer-predisposing syndrome. Also called: Tumor predisposition; Neoplastic Syndromes, Hereditary; Hereditary neoplastic syndrome; Hereditary Cancer Syndrome. Identifiers: Orphanet 140162, MedGen C0027672, MeSH D009386, MONDO:0015356.

gnomAD v4.1: 1 of 1,614,246 alleles (0.000062%); highest among the groups gnomAD compares: East Asian, 0.0022%; no homozygotes.

Submission:

Ambry Genetics
Classification: Uncertain significance for Hereditary cancer-predisposing syndrome. Last evaluated: 2025-08-27. Review status: criteria provided, single submitter. Criteria: Ambry Variant Classification Scheme 2023. Collection method: clinical testing. Allele origin: germline.
Comment: The p.E479Q variant (also known as c.1435G>C), located in coding exon 14 of the MUTYH gene, results from a G to C substitution at nucleotide position 1435. The glutamic acid at codon 479 is replaced by glutamine, an amino acid with highly similar properties. This amino acid position is conserved. In addition, this alteration is predicted to be tolerated by in silico analysis. Based on the available evidence, the clinical significance of this variant remains unclear.